The following is an entry in ClinVar:

NM_000094.4(COL7A1):c.3853C>A (p.Pro1285Thr)

Gene: COL7A1 (collagen type VII alpha 1 chain; minus strand). Cytogenetic location: 3p21.31.
Variant type: single nucleotide variant.
Coding change: c.3853C>A on transcript NM_000094.4 (MANE Select); coding-DNA position 3853, C replaced by A.
Protein change: p.Pro1285Thr; replaces proline 1285 with threonine.
Molecular consequence: missense variant.
Genome position (GRCh38, 1-based): chr3:48,585,598, G>T on the plus strand (C>A on the coding strand, the complement: COL7A1 is on the minus strand). VCF-style: chr3-48585598-G-T. GRCh37 (hg19) VCF-style: chr3-48623031-G-T.
Other names: short protein forms P1285T.
Identifiers: ClinVar variation 1349668 (VCV001349668.5), dbSNP rs1168566312, ClinGen allele CA352700937.

ClinVar aggregate classification (germline): Uncertain significance (1 of 4 stars; one submission).

Submission:

Labcorp Genetics (formerly Invitae), Labcorp
Classification: Uncertain significance. Last evaluated: 2022-06-13. Review status: criteria provided, single submitter. Criteria: Invitae Variant Classification Sherloc (09022015). Collection method: clinical testing. Allele origin: germline.
Comment: This sequence change replaces proline, which is neutral and non-polar, with threonine, which is neutral and polar, at codon 1285 of the COL7A1 protein (p.Pro1285Thr). This variant is not present in population databases (gnomAD no frequency). This variant has not been reported in the literature in individuals affected with COL7A1-related conditions. Advanced modeling of protein sequence and biophysical properties (such as structural, functional, and spatial information, amino acid conservation, physicochemical variation, residue mobility, and thermodynamic stability) performed at Invitae indicates that this missense variant is not expected to disrupt COL7A1 protein function. In summary, the available evidence is currently insufficient to determine the role of this variant in disease. Therefore, it has been classified as a Variant of Uncertain Significance.